The following is an entry in ClinVar:

ClinVar aggregate classification (germline): Uncertain significance (1 of 4 stars; one submission).

Submission:

Women's Health and Genetics/Laboratory Corporation of America, LabCorp
Classification: Uncertain significance. Last evaluated: 2026-01-20. Review status: criteria provided, single submitter. Criteria: LabCorp Variant Classification Summary - May 2015. Collection method: clinical testing. Allele origin: germline.
Comment: Variant summary: The variant involves the duplication of exons 1-9 in the SUMF1 gene. A presumed nomenclature of c.(?_-25)_(*999_?)dup has been designated for the purposes of this classification. This duplication includes the entire coding sequence of the gene. As exact breakpoints are unknown, it may extend beyond the annotated region of the gene, to include other flanking genes. The variant was absent in 21694 control chromosomes, however a large duplication spanning the entire SUMF1 gene and flanking regions has been reported in 1 heterozygous control in the gnomAD structural variants database (DUP_3_7895). The available data on variant occurrences in the general population are insufficient to allow any conclusion about variant significance. To our knowledge, no occurrence of similar copy number variants in individuals affected with SUMF1-related conditions and no experimental evidence demonstrating impact on protein function have been reported. ClinVar contains an entry for a similar copy number variant (Variation ID: 1343757). Based on the evidence outlined above, the variant was classified as uncertain significance.

NC_000003.11:g.(?_4402829)_(4508954_?)dup

Gene: SUMF1 (sulfatase modifying factor 1; minus strand). Cytogenetic location: 3p26.1.
Variant type: Duplication.
Identifiers: ClinVar variation 4689238 (VCV004689238.1).